The following is an entry in ClinVar:

NM_001430.5(EPAS1):c.218-10_218-9insT

Gene: EPAS1 (endothelial PAS domain protein 1; plus strand). Cytogenetic location: 2p21.
Variant type: Insertion.
Coding change: c.218-10_218-9insT on transcript NM_001430.5 (MANE Select); 10 bases into the intron before coding-DNA position 218 through 9 bases into the intron before coding-DNA position 218, T inserted.
Molecular consequence: intron variant.
Genome position: GRCh38 VCF-style: chr2-46356141-C-CT. GRCh37 (hg19) VCF-style: chr2-46583280-C-CT.
Identifiers: ClinVar variation 3049568 (VCV003049568.2), dbSNP rs564869067, ClinGen allele CA1644559.

ClinVar aggregate classification (germline): Benign (0 of 4 stars; one submission).

Conditions:
EPAS1-related disorder. Also called: EPAS1-related condition.

Allele frequency attached by ClinVar (database versions not stated): 1000 Genomes Project 0.00339; 1000 Genomes Project 30x 0.00359; gnomAD 0.00384.

Submission:

PreventionGenetics, part of Exact Sciences
Classification: Benign for EPAS1-related condition. Last evaluated: 2019-11-20. Review status: no assertion criteria provided. Collection method: clinical testing. Allele origin: germline.
Comment: This variant is classified as benign based on ACMG/AMP sequence variant interpretation guidelines (Richards et al. 2015 PMID: 25741868, with internal and published modifications).